The following is an entry in ClinVar:

NM_000419.5(ITGA2B):c.693dup (p.Ala232fs)

Gene: ITGA2B (integrin subunit alpha 2b; minus strand). Cytogenetic location: 17q21.31.
Variant type: Duplication.
Coding change: c.693dup on transcript NM_000419.5 (MANE Select); coding-DNA position 693, one base duplicated (T; older notation c.693dupT).
Protein change: p.Ala232fs; shifts the reading frame from alanine 232.
Molecular consequence: frameshift variant.
Genome position (GRCh38, 1-based): chr17:44,385,054, A duplicated on the plus strand (T on the coding strand, the reverse complement: ITGA2B is on the minus strand); the first of 2 consecutive A bases (chr17:44,385,054-44,385,055); duplicating either gives the same sequence. VCF-style (leftmost placement, unchanged base first): chr17-44385053-C-CA. GRCh37 (hg19) VCF-style: chr17-42462421-C-CA.
Other names: short protein forms A232fs.
Identifiers: ClinVar variation 996204 (VCV000996204.2), dbSNP rs2048632055, ClinGen allele CA915940315.

ClinVar aggregate classification (germline): Pathogenic (3 of 4 stars; one submission).

Conditions:
Glanzmann thrombasthenia. Also called: Glanzmann's thrombasthenia; PLATELET GLYCOPROTEIN IIb-IIIa DEFICIENCY; BLEEDING DISORDER, PLATELET-TYPE, 2; THROMBASTHENIA OF GLANZMANN AND NAEGELI; Thrombasthenia. Identifiers: Orphanet 849, MedGen C0040015, MONDO:0100326.

Submission:

ClinGen Platelet Disorders Variant Curation Expert Panel, ClinGen
Classification: Pathogenic for Glanzmann thrombasthenia. Last evaluated: 2020-12-02. Review status: reviewed by expert panel. Criteria: ClinGen Platelet ACMG Specifications v2. Collection method: curation. Allele origin: germline. Inheritance: Autosomal recessive inheritance.
Comment: The ITGA2B frameshift variant NM_000419.5:c.693dup (p.Ala232CysfsTer24) is expected to introduce a premature termination codon 24 amino acids downstream and the resulting mRNA product is predicted to undergo nonsense mediated decay, leading to loss of normal protein function. This variant has been observed in homozygosity in two individuals with a phenotype specific for Glanzmann's thrombasthenia (GT) (GT-9, PMID: 25539746 and Patient ZM, PMID: 12083483). Furthermore, this variant is absent from population databases. In summary, this variant meets criteria to be classified as pathogenic for GT. GT-specific criteria applied: PVS1, PM3, PP4_strong, PM2_supporting.